The following is an entry in ClinVar:

ClinVar aggregate classification (germline): Likely benign. Review status: criteria provided, multiple submitters, no conflicts (2 of 4 stars). 4 submissions from 4 submitters: Likely benign (3). 1 of the submissions does not count toward it. Last evaluated 2026-03-01.

Conditions:
NBEA-related disorder. Also called: NBEA-related condition.

Allele frequency attached by ClinVar (database versions not stated): 1000 Genomes Project 30x 0.00016; 1000 Genomes Project 0.00020; TOPMed 0.00068; gnomAD 0.00070 and 0.00073; ExAC 0.00081; ESP Exome Variant Server 0.00107.
gnomAD v4.1: 1,561 of 1,609,526 alleles (0.097%); highest among the groups gnomAD compares: Non-Finnish European, 0.13%; 2 homozygotes.

Submissions (4):

CeGaT Center for Human Genetics Tuebingen
Classification: Likely benign. Last evaluated: 2026-03-01. Review status: criteria provided, single submitter. Criteria: CeGaT Center For Human Genetics Tuebingen Variant Classification Criteria Version 2. Collection method: clinical testing. Allele origin: germline. Affected: yes. Observed: 9 variant alleles.
Comment: NBEA: BP4, BP7, BS1

Blueprint Genetics
Classification: Likely benign. Last evaluated: 2024-10-18. Review status: criteria provided, single submitter. Criteria: ACMG Guidelines, 2015. Collection method: clinical testing. Allele origin: germline.

Labcorp Genetics (formerly Invitae), Labcorp
Classification: Likely benign. Last evaluated: 2019-12-31. Review status: criteria provided, single submitter. Criteria: Invitae Variant Classification Sherloc (09022015). Collection method: clinical testing. Allele origin: germline.

PreventionGenetics, part of Exact Sciences
Classification: Likely benign for NBEA-related condition. Last evaluated: 2019-04-29. Review status: no assertion criteria provided. Collection method: clinical testing. Allele origin: germline. Not counted in ClinVar's aggregate classification.
Comment: This variant is classified as likely benign based on ACMG/AMP sequence variant interpretation guidelines (Richards et al. 2015 PMID: 25741868, with internal and published modifications).

NM_001385012.1(NBEA):c.168C>T (p.Leu56=)

Gene: NBEA (neurobeachin; plus strand). Cytogenetic location: 13q13.3.
Variant type: single nucleotide variant.
Coding change: c.168C>T on transcript NM_001385012.1 (MANE Select); coding-DNA position 168, C replaced by T.
Protein change: p.Leu56=; no amino-acid change (leucine 56 retained).
Molecular consequence: synonymous variant.
Genome position (GRCh38, 1-based): chr13:34,942,988, C>T. VCF-style: chr13-34942988-C-T. GRCh37 (hg19) VCF-style: chr13-35517125-C-T.
Other names: c.168C>T, p.Leu56= (NM_001379245.1, NM_015678.5).
Identifiers: ClinVar variation 726664 (VCV000726664.30), dbSNP rs183153359, ClinGen allele CA6946010.